The following is an entry in ClinVar:

ClinVar aggregate classification (germline): Uncertain significance (1 of 4 stars; one submission).

Conditions:
Hypertrophic cardiomyopathy. Also called: HYPERTROPHIC MYOCARDIOPATHY. Identifiers: Orphanet 217569, MedGen C0007194, MeSH D002312, MONDO:0005045, HP:0001639.

Submission:

Labcorp Genetics (formerly Invitae), Labcorp
Classification: Uncertain significance for Hypertrophic cardiomyopathy. Last evaluated: 2022-06-24. Review status: criteria provided, single submitter. Criteria: Invitae Variant Classification Sherloc (09022015). Collection method: clinical testing. Allele origin: germline.
Comment: This sequence change creates a premature translational stop signal (p.Arg1606Glnfs*18) in the MYH7 gene. It is expected to result in an absent or disrupted protein product. However, the current clinical and genetic evidence is not sufficient to establish whether loss-of-function variants in MYH7 cause disease. This variant is not present in population databases (gnomAD no frequency). This variant has not been reported in the literature in individuals affected with MYH7-related conditions. In summary, the available evidence is currently insufficient to determine the role of this variant in disease. Therefore, it has been classified as a Variant of Uncertain Significance.

NM_000257.4(MYH7):c.4815_4816del (p.Arg1606fs)

Genes: MHRT (myosin heavy chain associated RNA transcript; plus strand), MYH7 (myosin heavy chain 7; minus strand), LOC126861897 (BRD4-independent group 4 enhancer GRCh37_chr14:23884455-23885654; plus strand). Cytogenetic location: 14q11.2.
Variant type: Microsatellite.
Coding change: c.4815_4816del on transcript NM_000257.4 (MANE Select); coding-DNA positions 4815 to 4816, 2 bases deleted (AC; older notation c.4815_4816delAC).
Protein change: p.Arg1606fs; shifts the reading frame from arginine 1606.
Molecular consequence: frameshift variant. On other transcripts: non-coding transcript variant (1).
Genome position (GRCh38, 1-based): chr14:23,416,141-23,416,142, GT deleted on the plus strand (AC on the coding strand, the reverse complement: MYH7 is on the minus strand); deleting any 2 consecutive bases within chr14:23,416,141-23,416,144 gives the same sequence; the c. name uses the placement nearest the transcript's 3' end. VCF-style (leftmost placement, unchanged base first): chr14-23416140-CGT-C. GRCh37 (hg19) VCF-style: chr14-23885349-CGT-C.
Other names: c.4813_4814AC[1], p.Arg1606Glnfs (NM_001407004.1); short protein forms R1606fs.
Identifiers: ClinVar variation 2182666 (VCV002182666.4), dbSNP rs1892197471, ClinGen allele CA2123465517.